The following is an entry in ClinVar:

NM_005732.4(RAD50):c.625G>A (p.Glu209Lys)

Gene: RAD50 (RAD50 double strand break repair protein; plus strand). Cytogenetic location: 5q31.1.
Variant type: single nucleotide variant.
Coding change: c.625G>A on transcript NM_005732.4 (MANE Select); coding-DNA position 625, G replaced by A.
Protein change: p.Glu209Lys; replaces glutamic acid 209 with lysine.
Molecular consequence: missense variant.
Genome position (GRCh38, 1-based): chr5:132,579,935, G>A. VCF-style: chr5-132579935-G-A. GRCh37 (hg19) VCF-style: chr5-131915627-G-A.
Other names: short protein forms E209K.
Identifiers: ClinVar variation 4826865 (VCV004826865.1).

ClinVar aggregate classification (germline): Uncertain significance (1 of 4 stars; one submission).

Conditions:
Hereditary cancer-predisposing syndrome. Also called: Neoplastic Syndromes, Hereditary; Tumor predisposition; Hereditary Cancer Syndrome; Hereditary neoplastic syndrome. Identifiers: Orphanet 140162, MedGen C0027672, MeSH D009386, MONDO:0015356.

gnomAD v4.1: 2 of 1,612,088 alleles (0.00012%); highest among the groups gnomAD compares: South Asian, 0.0011%; no homozygotes.

Submission:

Ambry Genetics
Classification: Uncertain significance for Hereditary cancer-predisposing syndrome. Last evaluated: 2026-03-10. Review status: criteria provided, single submitter. Criteria: Ambry Variant Classification Scheme 2023. Collection method: clinical testing. Allele origin: germline.
Comment: The p.E209K variant (also known as c.625G>A), located in coding exon 5 of the RAD50 gene, results from a G to A substitution at nucleotide position 625. The glutamic acid at codon 209 is replaced by lysine, an amino acid with similar properties. This amino acid position is conserved. In addition, the in silico prediction for this alteration is inconclusive. Based on the available evidence, the clinical significance of this variant remains unclear.